The following is an entry in ClinVar:

NM_001297.5(CNGB1):c.3578C>T (p.Pro1193Leu)

Gene: CNGB1 (cyclic nucleotide gated channel subunit beta 1; minus strand). Cytogenetic location: 16q21.
Variant type: single nucleotide variant.
Coding change: c.3578C>T on transcript NM_001297.5 (MANE Select); coding-DNA position 3578, C replaced by T.
Protein change: p.Pro1193Leu; replaces proline 1193 with leucine.
Molecular consequence: missense variant.
Genome position (GRCh38, 1-based): chr16:57,884,342, G>A on the plus strand (C>T on the coding strand, the complement: CNGB1 is on the minus strand). VCF-style: chr16-57884342-G-A. GRCh37 (hg19) VCF-style: chr16-57918246-G-A.
Other names: c.3560C>T, p.Pro1187Leu (NM_001286130.2); short protein forms P1187L, P1193L.
Identifiers: ClinVar variation 1498434 (VCV001498434.8), dbSNP rs1959846562, ClinGen allele CA396059573.

ClinVar aggregate classification (germline): Uncertain significance (1 of 4 stars; one submission).

gnomAD v4.1: 8 of 1,558,270 alleles (0.00051%); highest among the groups gnomAD compares: African/African-American, 0.0048%; no homozygotes.

Submission:

Labcorp Genetics (formerly Invitae), Labcorp
Classification: Uncertain significance. Last evaluated: 2022-02-03. Review status: criteria provided, single submitter. Criteria: Invitae Variant Classification Sherloc (09022015). Collection method: clinical testing. Allele origin: germline.
Comment: In summary, the available evidence is currently insufficient to determine the role of this variant in disease. Therefore, it has been classified as a Variant of Uncertain Significance. Advanced modeling of protein sequence and biophysical properties (such as structural, functional, and spatial information, amino acid conservation, physicochemical variation, residue mobility, and thermodynamic stability) performed at Invitae indicates that this missense variant is not expected to disrupt CNGB1 protein function. This variant has not been reported in the literature in individuals affected with CNGB1-related conditions. This variant is not present in population databases (gnomAD no frequency). This sequence change replaces proline, which is neutral and non-polar, with leucine, which is neutral and non-polar, at codon 1193 of the CNGB1 protein (p.Pro1193Leu).